The following is an entry in ClinVar:

ClinVar aggregate classification (germline): Likely benign (0 of 4 stars; one submission).

Conditions:
LRIG1-related disorder. Also called: LRIG1-related condition.

Allele frequency attached by ClinVar (database versions not stated): gnomAD exomes below 0.00001.
gnomAD v4.1: 1 of 1,480,844 alleles (0.000068%); highest among the groups gnomAD compares: Non-Finnish European, 0.000089%; no homozygotes.

Submission:

PreventionGenetics, part of Exact Sciences
Classification: Likely benign for LRIG1-related condition. Last evaluated: 2021-06-22. Review status: no assertion criteria provided. Collection method: clinical testing. Allele origin: germline.
Comment: This variant is classified as likely benign based on ACMG/AMP sequence variant interpretation guidelines (Richards et al. 2015 PMID: 25741868, with internal and published modifications).

NM_015541.3(LRIG1):c.129C>T (p.Ala43=)

Gene: LRIG1 (leucine rich repeats and immunoglobulin like domains 1; minus strand). Cytogenetic location: 3p14.1.
Variant type: single nucleotide variant.
Coding change: c.129C>T on transcript NM_015541.3 (MANE Select); coding-DNA position 129, C replaced by T.
Protein change: p.Ala43=; no amino-acid change (alanine 43 retained).
Molecular consequence: synonymous variant. On other transcripts: intron variant (1).
Genome position (GRCh38, 1-based): chr3:66,500,279, G>A on the plus strand (C>T on the coding strand, the complement: LRIG1 is on the minus strand). VCF-style: chr3-66500279-G-A. GRCh37 (hg19) VCF-style: chr3-66550703-G-A.
Other names: c.129C>T, p.Ala43= (NM_001377344.1); c.-563+814C>T (NM_001377345.1).
Identifiers: ClinVar variation 3029155 (VCV003029155.2), dbSNP rs1296662149, ClinGen allele CA434266551.